The following is an entry in ClinVar:

NM_000264.5(PTCH1):c.2981T>C (p.Val994Ala)

Gene: PTCH1 (patched 1; minus strand). Cytogenetic location: 9q22.32.
Variant type: single nucleotide variant.
Coding change: c.2981T>C on transcript NM_000264.5 (MANE Select); coding-DNA position 2981, T replaced by C.
Protein change: p.Val994Ala; replaces valine 994 with alanine.
Molecular consequence: missense variant. On other transcripts: non-coding transcript variant (1).
Genome position (GRCh38, 1-based): chr9:95,458,200, A>G on the plus strand (T>C on the coding strand, the complement: PTCH1 is on the minus strand). VCF-style: chr9-95458200-A-G. GRCh37 (hg19) VCF-style: chr9-98220482-A-G.
Other names: c.2783T>C, p.Val928Ala (NM_001083602.3); c.2978T>C, p.Val993Ala (NM_001083603.3); c.2528T>C, p.Val843Ala (NM_001083604.3, NM_001083605.3, NM_001083606.3 and 1 more transcripts); c.2825T>C, p.Val942Ala (NM_001354918.2); short protein forms V993A, V928A, V942A, V843A, V994A.
Identifiers: ClinVar variation 3311140 (VCV003311140.1).

ClinVar aggregate classification (germline): Uncertain significance (1 of 4 stars; one submission).

Conditions:
Hereditary cancer-predisposing syndrome. Also called: Neoplastic Syndromes, Hereditary; Tumor predisposition; Hereditary neoplastic syndrome; Hereditary Cancer Syndrome. Identifiers: Orphanet 140162, MedGen C0027672, MeSH D009386, MONDO:0015356.

Submission:

Ambry Genetics
Classification: Uncertain significance for Hereditary cancer-predisposing syndrome. Last evaluated: 2024-03-25. Review status: criteria provided, single submitter. Criteria: Ambry Variant Classification Scheme 2023. Collection method: clinical testing. Allele origin: germline.
Comment: The p.V994A variant (also known as c.2981T>C), located in coding exon 18 of the PTCH1 gene, results from a T to C substitution at nucleotide position 2981. The valine at codon 994 is replaced by alanine, an amino acid with similar properties. This amino acid position is conserved. In addition, the in silico prediction for this alteration is inconclusive. Based on the available evidence, the clinical significance of this alteration remains unclear.